The following is an entry in ClinVar:

NM_000038.6(APC):c.3430A>T (p.Ser1144Cys)

Gene: APC (APC regulator of Wnt signaling pathway; plus strand). Cytogenetic location: 5q22.2.
Variant type: single nucleotide variant.
Coding change: c.3430A>T on transcript NM_000038.6 (MANE Select); coding-DNA position 3430, A replaced by T.
Protein change: p.Ser1144Cys; replaces serine 1144 with cysteine.
Molecular consequence: missense variant. On other transcripts: non-coding transcript variant (2).
Genome position (GRCh38, 1-based): chr5:112,839,024, A>T. VCF-style: chr5-112839024-A-T. GRCh37 (hg19) VCF-style: chr5-112174721-A-T.
Other names: c.3430A>T, p.Ser1144Cys (NM_001127510.3, NM_001354895.2, NM_001407450.1); c.3376A>T, p.Ser1126Cys (NM_001127511.3); c.3484A>T, p.Ser1162Cys (NM_001354896.2, NM_001407447.1, NM_001407448.1 and 1 more transcripts); c.3460A>T, p.Ser1154Cys (NM_001354897.2); c.3355A>T, p.Ser1119Cys (NM_001354898.2); c.3346A>T, p.Ser1116Cys (NM_001354899.2); c.3307A>T, p.Ser1103Cys (NM_001354900.2); c.3253A>T, p.Ser1085Cys (NM_001354901.2, NM_001407453.1); and 11 more; short protein forms S1015C, S1018C, S1043C, S1053C, S1061C, S1085C, S1103C, S1116C.
Identifiers: ClinVar variation 4801468 (VCV004801468.1).

ClinVar aggregate classification (germline): Uncertain significance (1 of 4 stars; one submission).

Conditions:
Familial adenomatous polyposis 1 (FAP1). Also called: FAMILIAL ADENOMATOUS POLYPOSIS 1, ATTENUATED; POLYPOSIS, ADENOMATOUS INTESTINAL. Identifiers: MedGen C2713442, MONDO:0021056, OMIM 175100. Disease mechanism: loss of function.

Submission:

Labcorp Genetics (formerly Invitae), Labcorp
Classification: Uncertain significance for Familial adenomatous polyposis 1. Last evaluated: 2025-09-28. Review status: criteria provided, single submitter. Criteria: Invitae Variant Classification Sherloc (09022015). Collection method: clinical testing. Allele origin: germline.
Comment: This sequence change replaces serine, which is neutral and polar, with cysteine, which is neutral and slightly polar, at codon 1144 of the APC protein (p.Ser1144Cys). This variant is not present in population databases (gnomAD no frequency). This variant has not been reported in the literature in individuals affected with APC-related conditions. Invitae Evidence Modeling of protein sequence and biophysical properties (such as structural, functional, and spatial information, amino acid conservation, physicochemical variation, residue mobility, and thermodynamic stability) indicates that this missense variant is not expected to disrupt APC protein function with a negative predictive value of 95%. In summary, the available evidence is currently insufficient to determine the role of this variant in disease. Therefore, it has been classified as a Variant of Uncertain Significance.